The following is an entry in ClinVar:

NM_001370259.2(MEN1):c.1535C>G (p.Ser512Ter)

Gene: MEN1 (menin 1; minus strand). Cytogenetic location: 11q13.1.
Variant type: single nucleotide variant.
Coding change: c.1535C>G on transcript NM_001370259.2 (MANE Select); coding-DNA position 1535, C replaced by G.
Protein change: p.Ser512Ter; replaces serine 512 with a stop codon.
Molecular consequence: nonsense.
Genome position (GRCh38, 1-based): chr11:64,804,632, G>C on the plus strand (C>G on the coding strand, the complement: MEN1 is on the minus strand). VCF-style: chr11-64804632-G-C. GRCh37 (hg19) VCF-style: chr11-64572104-G-C.
Other names: c.1550C>G, p.Ser517Ter (NM_130803.3, NM_130804.3, NM_130800.3 and 3 more transcripts); c.1430C>G, p.Ser477Ter (NM_001370262.2, NM_001370263.2); c.1535C>G, p.Ser512Ter (NM_130799.3, NM_001370260.2, NM_001370261.2); c.1661C>G, p.Ser554Ter (NM_001370251.2); short protein forms S512*, S517*, S477*, S554*.
Identifiers: ClinVar variation 457305 (VCV000457305.10), dbSNP rs141679530, ClinGen allele CA381178620.

ClinVar aggregate classification (germline): Pathogenic (1 of 4 stars; one submission).

Conditions:
Multiple endocrine neoplasia, type 1 (MEN1). Also called: MEN I; WERMER SYNDROME; Endocrine adenomatosis multiple; MEN 1; MEA I. Identifiers: Orphanet 652, MedGen C0025267, MeSH D018761, MONDO:0007540, OMIM 131100.

Submission:

Labcorp Genetics (formerly Invitae), Labcorp
Classification: Pathogenic for Multiple endocrine neoplasia, type 1. Last evaluated: 2025-04-16. Review status: criteria provided, single submitter. Criteria: Invitae Variant Classification Sherloc (09022015). Collection method: clinical testing. Allele origin: germline.
Comment: This sequence change creates a premature translational stop signal (p.Ser512*) in the MEN1 gene. While this is not anticipated to result in nonsense mediated decay, it is expected to disrupt the last 99 amino acid(s) of the MEN1 protein. This variant is not present in population databases (gnomAD no frequency). This variant has not been reported in the literature in individuals affected with MEN1-related conditions. ClinVar contains an entry for this variant (Variation ID: 457305). This variant disrupts a region of the MEN1 protein in which other variant(s) (p.Gln554*) have been determined to be pathogenic (PMID: 11578300, 15331604, 16449969, 17158764, 17853334). This suggests that this is a clinically significant region of the protein, and that variants that disrupt it are likely to be disease-causing. For these reasons, this variant has been classified as Pathogenic.

Literature cited by the submitters: PubMed 11578300; PubMed 15331604; PubMed 16449969; PubMed 17158764; PubMed 17853334.